The following is an entry in ClinVar:

NM_024596.5(MCPH1):c.1298C>A (p.Ser433Tyr)

Gene: MCPH1 (microcephalin 1; plus strand). Cytogenetic location: 8p23.1.
Variant type: single nucleotide variant.
Coding change: c.1298C>A on transcript NM_024596.5 (MANE Select); coding-DNA position 1298, C replaced by A.
Protein change: p.Ser433Tyr; replaces serine 433 with tyrosine.
Molecular consequence: missense variant. On other transcripts: non-coding transcript variant (1).
Genome position (GRCh38, 1-based): chr8:6,445,020, C>A. VCF-style: chr8-6445020-C-A. GRCh37 (hg19) VCF-style: chr8-6302541-C-A.
Other names: c.1298C>A, p.Ser433Tyr (NM_001172574.2, NM_001322042.2, NM_001363979.1 and 1 more transcripts); c.1154C>A, p.Ser385Tyr (NM_001172575.2); c.1292C>A, p.Ser431Tyr (NM_001322043.2); c.1196C>A, p.Ser399Tyr (NM_001322045.2); short protein forms S433Y, S385Y, S399Y, S431Y.
Identifiers: ClinVar variation 909150 (VCV000909150.8), dbSNP rs757893077, ClinGen allele CA4610515.

ClinVar aggregate classification (germline): Uncertain significance. Review status: criteria provided, multiple submitters, no conflicts (2 of 4 stars). 3 submissions from 3 submitters: Uncertain significance (3). Last evaluated 2024-12-03.

Conditions:
Microcephaly 1, primary, autosomal recessive (MCPH1). Also called: PREMATURE CHROMOSOME CONDENSATION SYNDROME; PCC SYNDROME; PREMATURE CHROMOSOME CONDENSATION WITH MICROCEPHALY AND MENTAL RETARDATION. Identifiers: Orphanet 2512, MedGen C1855081, MONDO:0009617, OMIM 251200.
Inborn genetic diseases. Identifiers: MedGen C0950123, MeSH D030342.

Allele frequency attached by ClinVar (database versions not stated): gnomAD exomes 0.00001 and 0.00003; TOPMed 0.00001; ExAC 0.00002.
gnomAD v4.1: 20 of 1,614,094 alleles (0.0012%); highest among the groups gnomAD compares: East Asian, 0.045%; no homozygotes.

Submissions (3):

Ambry Genetics
Classification: Uncertain significance for Inborn genetic diseases. Last evaluated: 2024-12-03. Review status: criteria provided, single submitter. Criteria: Ambry Variant Classification Scheme 2023. Collection method: clinical testing. Allele origin: germline.

Labcorp Genetics (formerly Invitae), Labcorp
Classification: Uncertain significance. Last evaluated: 2024-02-24. Review status: criteria provided, single submitter. Criteria: Invitae Variant Classification Sherloc (09022015). Collection method: clinical testing. Allele origin: germline.
Comment: This sequence change replaces serine with tyrosine at codon 433 of the MCPH1 protein (p.Ser433Tyr). The serine residue is weakly conserved and there is a large physicochemical difference between serine and tyrosine. This variant is present in population databases (rs757893077, gnomAD 0.05%). This variant has not been reported in the literature in individuals affected with MCPH1-related conditions. ClinVar contains an entry for this variant (Variation ID: 909150). Advanced modeling of protein sequence and biophysical properties (such as structural, functional, and spatial information, amino acid conservation, physicochemical variation, residue mobility, and thermodynamic stability) has been performed at Invitae for this missense variant, however the output from this modeling did not meet the statistical confidence thresholds required to predict the impact of this variant on MCPH1 protein function. In summary, the available evidence is currently insufficient to determine the role of this variant in disease. Therefore, it has been classified as a Variant of Uncertain Significance.

Illumina Laboratory Services, Illumina
Classification: Uncertain significance for Microcephaly 1, primary, autosomal recessive. Last evaluated: 2018-01-13. Review status: criteria provided, single submitter. Criteria: ICSL Variant Classification Criteria 13 December 2019. Collection method: clinical testing. Allele origin: germline.